The following is an entry in ClinVar:

ClinVar aggregate classification (germline): Likely pathogenic (1 of 4 stars; one submission).

Conditions:
Inborn genetic diseases. Identifiers: MedGen C0950123, MeSH D030342.

Submission:

Ambry Genetics
Classification: Likely pathogenic for Inborn genetic diseases. Last evaluated: 2022-10-21. Review status: criteria provided, single submitter. Criteria: Ambry Variant Classification Scheme 2023. Collection method: clinical testing. Allele origin: germline.
Comment: The c.811A>G (p.N271D) alteration is located in exon 6 (coding exon 6) of the PPP2CA gene. This alteration results from an A to G substitution at nucleotide position 811, causing the asparagine (N) at amino acid position 271 to be replaced by an aspartic acid (D). This variant was not reported in population-based cohorts in the Genome Aggregation Database (gnomAD). This amino acid position is highly conserved in available vertebrate species. This missense alteration is located in a region that has a low rate of benign missense variation (Lek, 2016; Firth, 2009). This alteration is predicted to be tolerated by in silico analysis. Based on the available evidence, this alteration is classified as likely pathogenic.

NM_002715.4(PPP2CA):c.811A>G (p.Asn271Asp)

Gene: PPP2CA (protein phosphatase 2 catalytic subunit alpha; minus strand). Cytogenetic location: 5q31.1.
Variant type: single nucleotide variant.
Coding change: c.811A>G on transcript NM_002715.4 (MANE Select); coding-DNA position 811, A replaced by G.
Protein change: p.Asn271Asp; replaces asparagine 271 with aspartic acid.
Molecular consequence: missense variant. On other transcripts: non-coding transcript variant (1).
Genome position (GRCh38, 1-based): chr5:134,199,132, T>C on the plus strand (A>G on the coding strand, the complement: PPP2CA is on the minus strand). VCF-style: chr5-134199132-T-C. GRCh37 (hg19) VCF-style: chr5-133534823-T-C.
Other names: c.616A>G, p.Asn206Asp (NM_001355019.2); short protein forms N271D, N206D.
Identifiers: ClinVar variation 2311455 (VCV002311455.2), dbSNP rs2481046871, ClinGen allele CA360998007.